The following is an entry in ClinVar:

NM_000171.4(GLRA1):c.920A>G (p.Tyr307Cys)

Gene: GLRA1 (glycine receptor alpha 1; minus strand). Cytogenetic location: 5q33.1.
Variant type: single nucleotide variant.
Coding change: c.920A>G on transcript NM_000171.4 (MANE Select); coding-DNA position 920, A replaced by G.
Protein change: p.Tyr307Cys; replaces tyrosine 307 with cysteine.
Molecular consequence: missense variant.
Genome position (GRCh38, 1-based): chr5:151,829,060, T>C on the plus strand (A>G on the coding strand, the complement: GLRA1 is on the minus strand). VCF-style: chr5-151829060-T-C. GRCh37 (hg19) VCF-style: chr5-151208621-T-C.
Other names: Y279C; A1216G; c.920A>G, p.Tyr307Cys (NM_001146040.2); c.671A>G, p.Tyr224Cys (NM_001292000.2); short protein forms Y307C, Y224C.
Identifiers: ClinVar variation 16063 (VCV000016063.16), dbSNP rs121918410, ClinGen allele CA341363.

ClinVar aggregate classification (germline): Pathogenic. Review status: criteria provided, multiple submitters, no conflicts (2 of 4 stars). 6 submissions from 6 submitters: Pathogenic (4). 2 of the submissions do not count toward it. Last evaluated 2025-05-19.

Conditions:
Hereditary hyperekplexia. Identifiers: Orphanet 3197, MedGen C4084968, MONDO:0021022.
Hyperekplexia 1 (STHE). Also called: STARTLE DISEASE, FAMILIAL; STIFF-BABY SYNDROME; STIFF-MAN SYNDROME, CONGENITAL; STIFF-PERSON SYNDROME, CONGENITAL; HYPEREKPLEXIA 1, AUTOSOMAL DOMINANT; HYPEREKPLEXIA 1, AUTOSOMAL RECESSIVE. Identifiers: Orphanet 3197, MedGen C4551954, MONDO:0007868, OMIM 149400.

Submissions (6):

Labcorp Genetics (formerly Invitae), Labcorp
Classification: Pathogenic for Hereditary hyperekplexia. Last evaluated: 2025-05-19. Review status: criteria provided, single submitter. Criteria: Invitae Variant Classification Sherloc (09022015). Collection method: clinical testing. Allele origin: germline.
Comment: This sequence change replaces tyrosine, which is neutral and polar, with cysteine, which is neutral and slightly polar, at codon 307 of the GLRA1 protein (p.Tyr307Cys). This variant is not present in population databases (gnomAD no frequency). This missense change has been observed in individuals with autosomal dominant hyperekplexia (PMID: 7611730, 11389164; internal data). It has also been observed to segregate with disease in related individuals. ClinVar contains an entry for this variant (Variation ID: 16063). Invitae Evidence Modeling of protein sequence and biophysical properties (such as structural, functional, and spatial information, amino acid conservation, physicochemical variation, residue mobility, and thermodynamic stability) indicates that this missense variant is expected to disrupt GLRA1 protein function with a positive predictive value of 80%. Experimental studies have shown that this missense change affects GLRA1 function (PMID: 9009272). This variant disrupts the p.Tyr307 amino acid residue in GLRA1. Other variant(s) that disrupt this residue have been observed in individuals with GLRA1-related conditions (PMID: 16236274), which suggests that this may be a clinically significant amino acid residue. For these reasons, this variant has been classified as Pathogenic.

GeneDx
Classification: Pathogenic. Last evaluated: 2025-01-21. Review status: criteria provided, single submitter. Criteria: GeneDx Variant Classification Process June 2021. Collection method: clinical testing. Allele origin: germline. Affected: yes.
Comment: Published functional studies demonstrate a damaging effect by impairing the agonist-activated currents, decreasing glycine sensitivity, and lowering channel conductance (PMID: 9009272); Not observed at significant frequency in large population cohorts (gnomAD); In silico analysis supports that this missense variant has a deleterious effect on protein structure/function; Also known as Y279C; This variant is associated with the following publications: (PMID: 7611730, 34015165, 9009272)

Genetics and Prenatal Diagnosis Center, The First Affiliated Hospital of Zhengzhou University
Classification: Pathogenic for Hyperekplexia 1. Last evaluated: 2021-05-13. Review status: criteria provided, single submitter. Criteria: ACMG Guidelines, 2015. Collection method: clinical testing. Allele origin: de novo. Affected: yes.

Institute of Human Genetics Munich, TUM University Hospital
Classification: Pathogenic for Hyperekplexia 1. Last evaluated: 2021-03-05. Review status: criteria provided, single submitter. Criteria: Classification criteria August 2017. Collection method: clinical testing. Allele origin: maternal. Inheritance: Autosomal dominant inheritance. Affected: yes. Observed: 1 variant allele.

GeneReviews
Classification: Pathogenic for Hyperekplexia. Last evaluated: 2012-10-04. Review status: no assertion criteria provided. Collection method: curation. Allele origin: unknown. Not counted in ClinVar's aggregate classification.
ClinVar note: Converted during submission from pathologic to Pathogenic.

OMIM
Classification: Pathogenic for HYPEREKPLEXIA 1, AUTOSOMAL DOMINANT. Last evaluated: 1995-07-01. Review status: no assertion criteria provided. Collection method: literature only. Allele origin: germline. Not counted in ClinVar's aggregate classification.

Literature cited by the submitters: PubMed 7611730 (cited by Labcorp Genetics (formerly Invitae), Labcorp and OMIM); PubMed 11389164 (cited by Labcorp Genetics (formerly Invitae), Labcorp); PubMed 9009272 (cited by Labcorp Genetics (formerly Invitae), Labcorp and Genetics and Prenatal Diagnosis Center, The First Affiliated Hospital of Zhengzhou University); PubMed 16236274 (cited by Labcorp Genetics (formerly Invitae), Labcorp).